The following is an entry in ClinVar:

NM_014844.5(TECPR2):c.2966C>T (p.Thr989Met)

Gene: TECPR2 (tectonin beta-propeller repeat containing 2; plus strand). Cytogenetic location: 14q32.31.
Variant type: single nucleotide variant.
Coding change: c.2966C>T on transcript NM_014844.5 (MANE Select); coding-DNA position 2966, C replaced by T.
Protein change: p.Thr989Met; replaces threonine 989 with methionine.
Molecular consequence: missense variant.
Genome position (GRCh38, 1-based): chr14:102,445,838, C>T. VCF-style: chr14-102445838-C-T. GRCh37 (hg19) VCF-style: chr14-102912175-C-T.
Other names: c.2966C>T, p.Thr989Met (NM_001172631.3); short protein forms T989M.
Identifiers: ClinVar variation 1216329 (VCV001216329.13), dbSNP rs140963558, ClinGen allele CA7358108.

ClinVar aggregate classification (germline): Uncertain significance. Review status: criteria provided, multiple submitters, no conflicts (2 of 4 stars). 6 submissions from 6 submitters: Uncertain significance (5). 1 of the submissions does not count toward it. Last evaluated 2025-05-03.

Conditions:
Inborn genetic diseases. Identifiers: MedGen C0950123, MeSH D030342.
Hereditary spastic paraplegia 49 (HSAN9). Also called: NEUROPATHY, HEREDITARY SENSORY AND AUTONOMIC, TYPE IX, WITH DEVELOPMENTAL DELAY; Spastic paraplegia 49, autosomal recessive; TECPR2-Related Hereditary Sensory and Autonomic Neuropathy with Intellectual Disability. Identifiers: Orphanet 320385, MedGen C5190860, MONDO:0014016, OMIM 615031.
Hereditary spastic paraplegia. Also called: Familial spastic paraparesis. Identifiers: Orphanet 685, MedGen C0037773, MONDO:0019064. Disease mechanism: loss of function.

Allele frequency attached by ClinVar (database versions not stated): TOPMed 0.00012; gnomAD 0.00014; gnomAD exomes 0.00019 and 0.00025; ExAC 0.00023; ESP Exome Variant Server 0.00023.
gnomAD v4.1: 400 of 1,613,812 alleles (0.025%); highest among the groups gnomAD compares: South Asian, 0.04%; no homozygotes.

Submissions (6):

GeneDx
Classification: Uncertain significance. Last evaluated: 2025-05-03. Review status: criteria provided, single submitter. Criteria: GeneDx Variant Classification Process June 2021. Collection method: clinical testing. Allele origin: germline. Affected: yes.
Comment: In silico analysis supports that this missense variant has a deleterious effect on protein structure/function; Has not been previously published as pathogenic or benign to our knowledge

Ambry Genetics
Classification: Uncertain significance for Inborn genetic diseases. Last evaluated: 2022-07-12. Review status: criteria provided, single submitter. Criteria: Ambry Variant Classification Scheme 2023. Collection method: clinical testing. Allele origin: germline.

Labcorp Genetics (formerly Invitae), Labcorp
Classification: Uncertain significance for Hereditary spastic paraplegia 49. Last evaluated: 2022-07-06. Review status: criteria provided, single submitter. Criteria: Invitae Variant Classification Sherloc (09022015). Collection method: clinical testing. Allele origin: germline.
Comment: This sequence change replaces threonine, which is neutral and polar, with methionine, which is neutral and non-polar, at codon 989 of the TECPR2 protein (p.Thr989Met). This variant is present in population databases (rs140963558, gnomAD 0.04%). This variant has not been reported in the literature in individuals affected with TECPR2-related conditions. ClinVar contains an entry for this variant (Variation ID: 1216329). Algorithms developed to predict the effect of missense changes on protein structure and function are either unavailable or do not agree on the potential impact of this missense change (SIFT: "Deleterious"; PolyPhen-2: "Benign"; Align-GVGD: "Class C0"). In summary, the available evidence is currently insufficient to determine the role of this variant in disease. Therefore, it has been classified as a Variant of Uncertain Significance.

Genome Diagnostics Laboratory, The Hospital for Sick Children
Classification: Uncertain significance for Hereditary spastic paraplegia. Last evaluated: 2016-12-12. Review status: criteria provided, single submitter. Criteria: ACMG Guidelines, 2015. Collection method: clinical testing. Allele origin: germline. Affected: yes.

Breakthrough Genomics
Classification: Uncertain significance. Review status: criteria provided, single submitter. Criteria: ACMG Guidelines, 2015. Collection method: not provided. Allele origin: germline. Inheritance: Autosomal recessive inheritance. Affected: yes.

Natera, Inc.
Classification: Uncertain significance for Autosomal recessive spastic paraplegia type 49. Last evaluated: 2020-02-04. Review status: no assertion criteria provided. Collection method: clinical testing. Allele origin: germline. Not counted in ClinVar's aggregate classification.